The following is an entry in ClinVar:

NM_006230.4(POLD2):c.-36G>A

Gene: POLD2 (DNA polymerase delta 2, accessory subunit; minus strand). Cytogenetic location: 7p13.
Variant type: single nucleotide variant.
Coding change: c.-36G>A on transcript NM_006230.4 (MANE Select); 36 bases upstream of the start codon, G replaced by A.
Molecular consequence: 5 prime UTR variant.
Genome position (GRCh38, 1-based): chr7:44,122,089, C>T on the plus strand (G>A on the coding strand, the complement: POLD2 is on the minus strand). VCF-style: chr7-44122089-C-T. GRCh37 (hg19) VCF-style: chr7-44161688-C-T.
Other names: c.-36G>A (NM_001127218.3, NM_001256879.2).
Identifiers: ClinVar variation 2123922 (VCV002123922.4), dbSNP rs748482281, ClinGen allele CA4239003.

ClinVar aggregate classification (germline): Uncertain significance (1 of 4 stars; one submission).

Allele frequency attached by ClinVar (database versions not stated): gnomAD exomes below 0.00001; TOPMed below 0.00001; ExAC 0.00001.

Submission:

Labcorp Genetics (formerly Invitae), Labcorp
Classification: Uncertain significance. Last evaluated: 2024-02-25. Review status: criteria provided, single submitter. Criteria: Invitae Variant Classification Sherloc (09022015). Collection method: clinical testing. Allele origin: germline.
Comment: This sequence change replaces glutamic acid, which is acidic and polar, with lysine, which is basic and polar, at codon 24 of the POLD2 protein (p.Glu24Lys). This variant is present in population databases (rs748482281, gnomAD 0.006%). This variant has not been reported in the literature in individuals affected with POLD2-related conditions. ClinVar contains an entry for this variant (Variation ID: 2123922). Experimental studies and prediction algorithms are not available or were not evaluated, and the functional significance of this variant is currently unknown. In summary, the available evidence is currently insufficient to determine the role of this variant in disease. Therefore, it has been classified as a Variant of Uncertain Significance.